The following is an entry in ClinVar:

NM_000038.6(APC):c.6247_6250delinsTGT (p.Ile2083fs)

Gene: APC (APC regulator of Wnt signaling pathway; plus strand). Cytogenetic location: 5q22.2.
Variant type: Indel.
Coding change: c.6247_6250delinsTGT on transcript NM_000038.6 (MANE Select); coding-DNA positions 6247 to 6250, ATAC replaced by TGT.
Protein change: p.Ile2083fs; shifts the reading frame from isoleucine 2083.
Molecular consequence: frameshift variant.
Genome position (GRCh38, 1-based): chr5:112,841,841-112,841,844, ATAC replaced by TGT. VCF-style: chr5-112841841-ATAC-TGT. GRCh37 (hg19) VCF-style: chr5-112177538-ATAC-TGT.
Other names: c.6247_6250delinsTGT, p.Ile2083fs (NM_001127510.3, NM_001354895.2); c.6193_6196delinsTGT, p.Ile2065fs (NM_001127511.3); c.6301_6304delinsTGT, p.Ile2101fs (NM_001354896.2); c.6277_6280delinsTGT, p.Ile2093fs (NM_001354897.2); c.6172_6175delinsTGT, p.Ile2058fs (NM_001354898.2); c.6163_6166delinsTGT, p.Ile2055fs (NM_001354899.2); c.6124_6127delinsTGT, p.Ile2042fs (NM_001354900.2); c.6070_6073delinsTGT, p.Ile2024fs (NM_001354901.2); and 5 more; short protein forms I1957fs, I1982fs, I2024fs, I2042fs, I2065fs, I2093fs, I1923fs, I2083fs.
Identifiers: ClinVar variation 411474 (VCV000411474.5), dbSNP rs1064792978, ClinGen allele CA16611670.

ClinVar aggregate classification (germline): Pathogenic (1 of 4 stars; one submission).

Conditions:
Familial adenomatous polyposis 1 (FAP1). Also called: FAMILIAL ADENOMATOUS POLYPOSIS 1, ATTENUATED; POLYPOSIS, ADENOMATOUS INTESTINAL. Identifiers: MedGen C2713442, MONDO:0021056, OMIM 175100. Disease mechanism: loss of function.

Submission:

Labcorp Genetics (formerly Invitae), Labcorp
Classification: Pathogenic for Familial adenomatous polyposis 1. Last evaluated: 2018-06-19. Review status: criteria provided, single submitter. Criteria: Invitae Variant Classification Sherloc (09022015). Collection method: clinical testing. Allele origin: germline.
Comment: A different truncation, c.7932_7935del (p.Tyr2645Lysfs*14), that lies downstream of this variant has been determined to be pathogenic (PMID: 9824584, 1316610, 27081525, 8381579, 22135120, Invitae). This sequence change deletes 4 nucleotide and inserts 3 nucleotides in exon 16 of the APC mRNA (c.6247_6250delinsTGT), causing a frameshift at codon 2083. This creates a premature translational stop signal (p.Ile2083Tyrfs*29) and is expected to result in an absent or disrupted protein product. This variant is expected to disrupt the EB1 and HDLG binding sites, which mediate interactions with the cytoskeleton (PMID: 15311282, 17293347). While functional studies have not been performed to directly test the effect on APC protein function, this suggests that disruption of the C-terminal portion of the protein is functionally important. For these reasons, this variant has been classified as Pathogenic. This variant is not present in population databases (ExAC no frequency). This variant has not been reported in the literature in individuals with APC-related disease.

Literature cited by the submitters: PubMed 9824584; PubMed 1316610; PubMed 27081525; PubMed 8381579; PubMed 22135120; PubMed 15311282; PubMed 17293347.